The following is an entry in ClinVar:

ClinVar aggregate classification (germline): Uncertain significance (0 of 4 stars; one submission).

Conditions:
Prostate cancer. Also called: Malignant tumor of prostate. Identifiers: Orphanet 1331, MedGen C0376358, MONDO:0008315, HP:0012125.

Submission:

Science for Life laboratory,  Karolinska Institutet
Classification: Uncertain significance for Malignant tumor of prostate. Review status: no assertion criteria provided. Collection method: not provided. Allele origin: somatic.
Comment: TumorID:SWE-13,SWE-6
ClinVar note: Converted during submission from Unknown to Uncertain significance.

NM_000283.4(PDE6B):c.1401+8_1401+9insA

Gene: PDE6B (phosphodiesterase 6B; plus strand). Cytogenetic location: 4p16.3.
Variant type: Insertion.
Coding change: c.1401+8_1401+9insA on transcript NM_000283.4 (MANE Select); bases 8 to 9 of the intron after coding-DNA position 1401, A inserted.
Molecular consequence: intron variant.
Genome position: GRCh38 VCF-style: chr4-657502-G-GA. GRCh37 (hg19) VCF-style: chr4-651291-G-GA.
Other names: c.1401+8_1401+9insA (NM_001145291.2); c.564+8_564+9insA (NM_001379246.1, NM_001379247.1, NM_001145292.2 and 1 more transcripts); c.246+8_246+9insA (NM_001350155.3).
Identifiers: ClinVar variation 161463 (VCV000161463.2), dbSNP rs193920816, ClinGen allele CA174084.